The following is an entry in ClinVar:

ClinVar aggregate classification (germline): Uncertain significance (1 of 4 stars; one submission).

gnomAD v4.1: 7 of 1,547,292 alleles (0.00045%); highest among the groups gnomAD compares: African/African-American, 0.0055%; no homozygotes.

Submission:

Women's Health and Genetics/Laboratory Corporation of America, LabCorp
Classification: Uncertain significance. Last evaluated: 2025-03-18. Review status: criteria provided, single submitter. Criteria: LabCorp Variant Classification Summary - May 2015. Collection method: clinical testing. Allele origin: germline.
Comment: Variant summary: HEXB c.25C>T (p.Pro9Ser) results in a non-conservative amino acid change in the encoded protein sequence. Four of five in-silico tools predict a benign effect of the variant on protein function. The frequency data for this variant in gnomAD is considered unreliable, as metrics indicate poor data quality at this position. To our knowledge, no occurrence of c.25C>T in individuals affected with Sandhoff Disease and no experimental evidence demonstrating its impact on protein function have been reported. No submitters have cited clinical-significance assessments for this variant to ClinVar. Based on the evidence outlined above, the variant was classified as uncertain significance.

NM_000521.4(HEXB):c.25C>T (p.Pro9Ser)

Gene: HEXB (hexosaminidase subunit beta; plus strand). Cytogenetic location: 5q13.3.
Variant type: single nucleotide variant.
Coding change: c.25C>T on transcript NM_000521.4 (MANE Select); coding-DNA position 25, C replaced by T.
Protein change: p.Pro9Ser; replaces proline 9 with serine.
Molecular consequence: missense variant. On other transcripts: intron variant (1).
Genome position (GRCh38, 1-based): chr5:74,685,285, C>T. VCF-style: chr5-74685285-C-T. GRCh37 (hg19) VCF-style: chr5-73981110-C-T.
Other names: c.-376-4043C>T (NM_001292004.2); short protein forms P9S.
Identifiers: ClinVar variation 3896117 (VCV003896117.1).